The following is an entry in ClinVar:

NM_033109.5(PNPT1):c.404-11dup

Gene: PNPT1 (polyribonucleotide nucleotidyltransferase 1; minus strand). Cytogenetic location: 2p16.1.
Variant type: Duplication.
Coding change: c.404-11dup on transcript NM_033109.5 (MANE Select); 11 bases into the intron before coding-DNA position 404, one base duplicated (T; older notation c.404-11dupT).
Molecular consequence: intron variant.
Genome position (GRCh38, 1-based): chr2:55,683,845, A duplicated on the plus strand (T on the coding strand, the reverse complement: PNPT1 is on the minus strand); the first of 9 consecutive A bases (chr2:55,683,845-55,683,853); duplicating any one gives the same sequence. VCF-style (leftmost placement, unchanged base first): chr2-55683844-G-GA. GRCh37 (hg19) VCF-style: chr2-55910979-G-GA.
Other names: c.404-11dupT (NM_033109.5).
Identifiers: ClinVar variation 1636424 (VCV001636424.9), dbSNP rs758474535, ClinGen allele CA1668488.

ClinVar aggregate classification (germline): Likely benign. Review status: criteria provided, multiple submitters, no conflicts (2 of 4 stars). 2 submissions from 2 submitters: Likely benign (2). Last evaluated 2026-05-20.

Submissions (2):

Women's Health and Genetics/Laboratory Corporation of America, LabCorp
Classification: Likely benign. Last evaluated: 2026-05-20. Review status: criteria provided, single submitter. Criteria: LabCorp Variant Classification Summary - May 2015. Collection method: clinical testing. Allele origin: germline.
Comment: Variant summary: PNPT1 c.404-11dupT alters a non-conserved nucleotide located at a position not widely known to affect splicing. Consensus agreement among computation tools predict no significant impact on normal splicing. However, these predictions have yet to be confirmed by functional studies. The frequency data for this variant in gnomAD is considered unreliable, as metrics indicate poor data quality at this position. To our knowledge, no occurrence of c.404-11dupT in individuals affected with PNPT1-related conditions and no experimental evidence demonstrating its impact on protein function have been reported. ClinVar contains an entry for this variant (Variation ID: 1636424). Based on the evidence outlined above, the variant was classified as likely benign.

Labcorp Genetics (formerly Invitae), Labcorp
Classification: Likely benign. Last evaluated: 2026-01-27. Review status: criteria provided, single submitter. Criteria: Invitae Variant Classification Sherloc (09022015). Collection method: clinical testing. Allele origin: germline.